The following is an entry in ClinVar:

ClinVar aggregate classification (germline): Uncertain significance. Review status: criteria provided, multiple submitters, no conflicts (2 of 4 stars). 4 submissions from 4 submitters: Uncertain significance (2). 2 of the submissions do not count toward it. Last evaluated 2024-04-11.

Conditions:
Charcot-Marie-Tooth disease. Also called: Charcot-Marie-Tooth Neuropathy; Charcot-Marie-Tooth Hereditary Neuropathy. Identifiers: Orphanet 166, MedGen C0007959, MONDO:0015626.
Charcot-Marie-Tooth disease, type I (CMT1). Also called: Charcot-Marie-Tooth, Type 1; Charcot-Marie-Tooth disease type 1. Identifiers: Orphanet 65753, MedGen C0751036, MONDO:0019011.
Charcot-Marie-Tooth disease type 1B. Also called: HEREDITARY MOTOR AND SENSORY NEUROPATHY I; HEREDITARY MOTOR AND SENSORY NEUROPATHY IB; CHARCOT-MARIE-TOOTH DISEASE, AUTOSOMAL DOMINANT, WITH FOCALLY FOLDED MYELIN SHEATHS, TYPE 1B; CHARCOT-MARIE-TOOTH DISEASE, SLOW NERVE CONDUCTION TYPE, LINKED TO DUFFY; CHARCOT-MARIE-TOOTH NEUROPATHY, TYPE 1B; Charcot-Marie-Tooth disease, demyelinating, type 1b. Identifiers: Orphanet 101082, MedGen C0270912, MONDO:0007307, OMIM 118200.

Allele frequency attached by ClinVar (database versions not stated): gnomAD exomes below 0.00001.
gnomAD v4.1: 1 of 1,613,940 alleles (0.000062%); highest among the groups gnomAD compares: Non-Finnish European, 0.000085%; no homozygotes.

Submissions (4):

Labcorp Genetics (formerly Invitae), Labcorp
Classification: Uncertain significance for Charcot-Marie-Tooth disease, type I. Last evaluated: 2024-04-11. Review status: criteria provided, single submitter. Criteria: Invitae Variant Classification Sherloc (09022015). Collection method: clinical testing. Allele origin: germline.
Comment: This sequence change replaces valine, which is neutral and non-polar, with phenylalanine, which is neutral and non-polar, at codon 113 of the MPZ protein (p.Val113Phe). This variant is not present in population databases (gnomAD no frequency). This missense change has been observed in individual(s) with clinical features of MPZ-related conditions (PMID: 11801400). ClinVar contains an entry for this variant (Variation ID: 41020). Advanced modeling of protein sequence and biophysical properties (such as structural, functional, and spatial information, amino acid conservation, physicochemical variation, residue mobility, and thermodynamic stability) performed at Invitae indicates that this missense variant is not expected to disrupt MPZ protein function with a negative predictive value of 80%. In summary, the available evidence is currently insufficient to determine the role of this variant in disease. Therefore, it has been classified as a Variant of Uncertain Significance.

GeneDx
Classification: Uncertain significance. Last evaluated: 2018-05-29. Review status: criteria provided, single submitter. Criteria: GeneDx Variant Classification (06012015). Collection method: clinical testing. Allele origin: germline. Affected: yes.
Comment: A variant of uncertain significance has been identified in the MPZ gene. The V113F variant has been previously reported in an individual with demyelinating and axonal peripheral neuropathy, pes cavus, and pupillary light-near dissociation (Bienfait et al., 2002). However, this individual was also found to carry another variant (H81Y) on the same allele and parental studies were not performed. The V113F variant is not observed in large population cohorts (Lek et al., 2016). The V113F variant is a semi-conservative amino acid substitution, which may impact secondary protein structure as these residues differ in some properties. Missense variants in nearby residues have been reported in the Human Gene Mutation Database in individuals with MPZ-related disorders (Stenson et al., 2014). However, in-silico analyses, including protein predictors and evolutionary conservation, support that this variant does not alter protein structure/function. Therefore, based on the currently available information, it is unclear whether this variant is a pathogenic variant or a rare benign variant.

GeneReviews
Classification: Pathogenic for Charcot-Marie-Tooth disease, type IB. Last evaluated: 2015-03-26. Review status: no assertion criteria provided. Collection method: literature only. Allele origin: germline. Affected: yes. Not counted in ClinVar's aggregate classification.

Inherited Neuropathy Consortium
Classification: Uncertain significance for Charcot-Marie-Tooth disease. Review status: no assertion criteria provided. Collection method: literature only. Allele origin: germline. Affected: yes. Not counted in ClinVar's aggregate classification.

Literature cited by the submitters: PubMed 11801400 (cited by Labcorp Genetics (formerly Invitae), Labcorp and Inherited Neuropathy Consortium).

NM_000530.8(MPZ):c.337G>T (p.Val113Phe)

Gene: MPZ (myelin protein zero; minus strand). Cytogenetic location: 1q23.3.
Variant type: single nucleotide variant.
Coding change: c.337G>T on transcript NM_000530.8 (MANE Select); coding-DNA position 337, G replaced by T.
Protein change: p.Val113Phe; replaces valine 113 with phenylalanine.
Molecular consequence: missense variant.
Genome position (GRCh38, 1-based): chr1:161,306,819, C>A on the plus strand (G>T on the coding strand, the complement: MPZ is on the minus strand). VCF-style: chr1-161306819-C-A. GRCh37 (hg19) VCF-style: chr1-161276609-C-A.
Other names: c.337G>T, p.Val113Phe (LRG_256t1, NM_001315491.2); short protein forms V113F.
Identifiers: ClinVar variation 41020 (VCV000041020.11), dbSNP rs281865126, ClinGen allele CA343905.